The following is an entry in ClinVar:

NM_001128227.3(GNE):c.60_61insAAATA (p.Phe21fs)

Gene: GNE (glucosamine (UDP-N-acetyl)-2-epimerase/N-acetylmannosamine kinase; minus strand). Cytogenetic location: 9p13.3.
Variant type: Insertion.
Coding change: c.60_61insAAATA on transcript NM_001128227.3 (MANE Plus Clinical); coding-DNA positions 60 to 61, AAATA inserted.
Protein change: p.Phe21fs; shifts the reading frame from phenylalanine 21.
Molecular consequence: frameshift variant. On other transcripts: 5 prime UTR variant (3), intron variant (3).
Genome position: GRCh38 VCF-style: chr9-36249388-A-ATATTT. GRCh37 (hg19) VCF-style: chr9-36249385-A-ATATTT.
Other names: c.-34_-33insAAATA (NM_001190383.3, NM_001374797.1, NM_005476.7); c.-13-2907_-13-2906insAAATA (NM_001190388.2, NM_001190384.3, NM_001374798.1); short protein forms F21fs.
Identifiers: ClinVar variation 4814135 (VCV004814135.2).

ClinVar aggregate classification (germline): Likely pathogenic. Review status: criteria provided, single submitter (1 of 4 stars). 2 submissions from 1 submitter: Likely pathogenic (2). Last evaluated 2026-08-06.

Conditions:
Sialuria. Also called: SIALURIA, FRENCH TYPE; Sialic Acid Storage Disease. Identifiers: Orphanet 3166, MedGen C0342853, MONDO:0010028, OMIM 269921.
GNE myopathy (NM). Also called: INCLUSION BODY MYOPATHY, HEREDITARY, AUTOSOMAL RECESSIVE; INCLUSION BODY MYOPATHY 2, AUTOSOMAL RECESSIVE; MYOPATHY, DISTAL, WITH OR WITHOUT RIMMED VACUOLES; IBM 2; Inclusion body myopathy autosomal recessive; Inclusion body myopathy quadriceps sparing. Identifiers: Orphanet 602, MedGen C1853926, MONDO:0011603, OMIM 605820.

Submissions (2):

OLLIN Analises Genomicas, OLLIN
Classification: Likely pathogenic for GNE myopathy. Last evaluated: 2026-08-06. Review status: criteria provided, single submitter. Criteria: ACMG Guidelines 2015 PMID 25741868. Collection method: clinical testing. Allele origin: germline. Inheritance: Autosomal recessive inheritance.
Comment: This variant, located in exon 2 (of 12), is absent from gnomAD and has not been identified in the literature. However, it has been reported in ClinVar (accession VCV004814135.1). According to the currently available evidence, this variant has been classified as likely pathogenic (PVS1, PM2_P).

OLLIN Analises Genomicas, OLLIN
Classification: Likely pathogenic for Sialuria. Last evaluated: 2025-06-20. Review status: criteria provided, single submitter. Criteria: ACMG Guidelines 2015 PMID 25741868. Collection method: clinical testing. Allele origin: germline. Affected: yes. Observed: 1 variant allele.
Comment: The frameshift variant (chr9:36249388A>ATATTT), located in exon 2 (of 12), is not reported in the gnomAD v4.1 non-UKB or ClinVar databases, nor has it been found in the scientific literature. This variant promotes a change in the reading frame with subsequent introduction of a premature stop codon, resulting in a truncated protein or mRNA degradation via nonsense-mediated decay (NMD). According to currently available evidence, this variant has been classified as likely pathogenic (PVS1, PM2_P).